The following is an entry in ClinVar:

ClinVar aggregate classification (germline): Conflicting classifications of pathogenicity. Review status: criteria provided, conflicting classifications (1 of 4 stars). 2 submissions from 2 submitters: Uncertain significance (1); Likely benign (1). Last evaluated 2026-05-22.

Conditions:
Hereditary cancer-predisposing syndrome. Also called: Tumor predisposition; Hereditary Cancer Syndrome; Neoplastic Syndromes, Hereditary; Hereditary neoplastic syndrome. Identifiers: Orphanet 140162, MedGen C0027672, MeSH D009386, MONDO:0015356.
Parathyroid carcinoma (PRTC). Also called: CDC73-Related Parathyroid Carcinoma; Parathyroid gland carcinoma. Identifiers: Orphanet 143, MedGen C0687150, MONDO:0012004, OMIM 608266, HP:0006780.

Submissions (2):

Ambry Genetics
Classification: Uncertain significance for Hereditary cancer-predisposing syndrome. Last evaluated: 2026-05-22. Review status: criteria provided, single submitter. Criteria: Ambry Variant Classification Scheme 2023. Collection method: clinical testing. Allele origin: germline.
Comment: The c.512+5G>C intronic variant results from a G to C substitution 5 nucleotides after coding exon 6 in the CDC73 gene. This nucleotide position is highly conserved in available vertebrate species. In silico splice site analysis predicts that this alteration may weaken the native splice donor site; however, direct evidence is insufficient at this time (Ambry internal data). Based on the available evidence, the clinical significance of this variant remains unclear.

Labcorp Genetics (formerly Invitae), Labcorp
Classification: Likely benign for Parathyroid carcinoma. Last evaluated: 2025-07-14. Review status: criteria provided, single submitter. Criteria: Invitae Variant Classification Sherloc (09022015). Collection method: clinical testing. Allele origin: germline.

NM_024529.5(CDC73):c.512+5G>C

Gene: CDC73 (cell division cycle 73; plus strand). Cytogenetic location: 1q31.2.
Variant type: single nucleotide variant.
Coding change: c.512+5G>C on transcript NM_024529.5 (MANE Select); 5 bases into the intron after coding-DNA position 512, G replaced by C.
Molecular consequence: intron variant.
Genome position (GRCh38, 1-based): chr1:193,138,178, G>C. VCF-style: chr1-193138178-G-C. GRCh37 (hg19) VCF-style: chr1-193107308-G-C.
Identifiers: ClinVar variation 662059 (VCV000662059.9), dbSNP rs557303948, ClinGen allele CA34370739.
Genomic context (GRCh38, chr1:193,138,178, plus strand): 5'-TTGGCTGCCCGTTTGGAGGGTCACAAAGAAGGGATTGTACAGACTGAACAGATTAGGTAA[G>C]AATTCTTTTTAAGTAGAAAGTAGGTAGTTTAGATATATGTAAAAGTATAAGGAAAAGGAA-3'